The following is an entry in ClinVar:

ClinVar aggregate classification (germline): Uncertain significance (1 of 4 stars; one submission).

Conditions:
Inborn genetic diseases. Identifiers: MedGen C0950123, MeSH D030342.

Submission:

Ambry Genetics
Classification: Uncertain significance for Inborn genetic diseases. Last evaluated: 2026-07-10. Review status: criteria provided, single submitter. Criteria: Ambry Variant Classification Scheme 2023. Collection method: clinical testing. Allele origin: germline.
Comment: The p.I437F variant (also known as c.1309A>T), located in coding exon 13 of the DDX41 gene, results from an A to T substitution at nucleotide position 1309. The isoleucine at codon 437 is replaced by phenylalanine, an amino acid with highly similar properties. This amino acid position is well conserved in available vertebrate species. In addition, this alteration is predicted to be deleterious by in silico analysis. Based on the available evidence, the clinical significance of this variant remains unclear.

NM_016222.4(DDX41):c.1309A>T (p.Ile437Phe)

Gene: DDX41 (DEAD-box helicase 41; minus strand). Cytogenetic location: 5q35.3.
Variant type: single nucleotide variant.
Coding change: c.1309A>T on transcript NM_016222.4 (MANE Select); coding-DNA position 1309, A replaced by T.
Protein change: p.Ile437Phe; replaces isoleucine 437 with phenylalanine.
Molecular consequence: missense variant.
Genome position (GRCh38, 1-based): chr5:177,512,870, T>A on the plus strand (A>T on the coding strand, the complement: DDX41 is on the minus strand). VCF-style: chr5-177512870-T-A. GRCh37 (hg19) VCF-style: chr5-176939871-T-A.
Other names: c.931A>T, p.Ile311Phe (NM_001321732.2, NM_001321830.2); short protein forms I311F, I437F.
Identifiers: ClinVar variation 5035147 (VCV005035147.1).
Genomic context (GRCh38, chr5:177,512,870, plus strand): 5'-CCCCCTTGAGCAGCAGGTACTCGTGGATGGCGTCCACGTCTGCCTTCTTCTCTGCAAAGA[T>A]GAGTACCTGTCCGGAAAGACCAACTCCAGTCAGGGGCTAACTGCCTGGGCACCCACCGCA-3'
Protein context (NP_057306.2, residues 427-447): CLQKTPPPVL[Ile437Phe]FAEKKADVDA